The following is an entry in ClinVar:

ClinVar aggregate classification (germline): Uncertain significance (1 of 4 stars; one submission).

Allele frequency attached by ClinVar (database versions not stated): gnomAD exomes below 0.00001; TOPMed below 0.00001.
gnomAD v4.1: 5 of 1,613,854 alleles (0.00031%); highest among the groups gnomAD compares: Non-Finnish European, 0.00034%; no homozygotes.

Submission:

Labcorp Genetics (formerly Invitae), Labcorp
Classification: Uncertain significance. Last evaluated: 2021-10-12. Review status: criteria provided, single submitter. Criteria: Invitae Variant Classification Sherloc (09022015). Collection method: clinical testing. Allele origin: germline.
Comment: This sequence change replaces glycine with arginine at codon 2749 of the FAT4 protein (p.Gly2749Arg). The glycine residue is highly conserved and there is a moderate physicochemical difference between glycine and arginine. This variant is not present in population databases (ExAC no frequency). This variant has not been reported in the literature in individuals affected with FAT4-related conditions. In summary, the available evidence is currently insufficient to determine the role of this variant in disease. Therefore, it has been classified as a Variant of Uncertain Significance. Advanced modeling of protein sequence and biophysical properties (such as structural, functional, and spatial information, amino acid conservation, physicochemical variation, residue mobility, and thermodynamic stability) performed at Invitae indicates that this missense variant is expected to disrupt FAT4 protein function.

NM_001291303.3(FAT4):c.8251G>C (p.Gly2751Arg)

Gene: FAT4 (FAT atypical cadherin 4; plus strand). Cytogenetic location: 4q28.1.
Variant type: single nucleotide variant.
Coding change: c.8251G>C on transcript NM_001291303.3 (MANE Select); coding-DNA position 8251, G replaced by C.
Protein change: p.Gly2751Arg; replaces glycine 2751 with arginine.
Molecular consequence: missense variant.
Genome position (GRCh38, 1-based): chr4:125,449,261, G>C. VCF-style: chr4-125449261-G-C. GRCh37 (hg19) VCF-style: chr4-126370416-G-C.
Other names: c.8251G>C, p.Gly2751Arg (NM_001291285.3); c.8245G>C, p.Gly2749Arg (NM_024582.6); short protein forms G2749R, G2751R.
Identifiers: ClinVar variation 1420039 (VCV001420039.6), dbSNP rs1469626568, ClinGen allele CA358145638.
Genomic context (GRCh38, chr4:125,449,261, plus strand): 5'-AGACCTTTGGACAGGGAAAAAGTATCTCATTATGTCCTAACCATAAAATCATCAGACAAA[G>C]GGTCCCCGTCTCAGAGTACTTCAGTAAAAGTCATGATTAACATTTTAGATGAAAATGATA-3'
Protein context (NP_001278232.1, residues 2741-2761): YVLTIKSSDK[Gly2751Arg]SPSQSTSVKV